The following is an entry in ClinVar:

NM_007327.4(GRIN1):c.1431C>G (p.His477Gln)

Gene: GRIN1 (glutamate ionotropic receptor NMDA type subunit 1; plus strand). Cytogenetic location: 9q34.3.
Variant type: single nucleotide variant.
Coding change: c.1431C>G on transcript NM_007327.4 (MANE Select); coding-DNA position 1431, C replaced by G.
Protein change: p.His477Gln; replaces histidine 477 with glutamine.
Molecular consequence: missense variant.
Genome position (GRCh38, 1-based): chr9:137,161,380, C>G. VCF-style: chr9-137161380-C-G. GRCh37 (hg19) VCF-style: chr9-140055832-C-G.
Other names: c.1431C>G, p.His477Gln (NM_000832.7, NM_021569.4); c.1494C>G, p.His498Gln (NM_001185090.2, NM_001185091.2); short protein forms H498Q, H477Q.
Identifiers: ClinVar variation 3641098 (VCV003641098.2).

ClinVar aggregate classification (germline): Uncertain significance (1 of 4 stars; one submission).

Conditions:
Neurodevelopmental disorder with or without hyperkinetic movements and seizures, autosomal dominant. Also called: Intellectual disability, autosomal dominant 8. Identifiers: MedGen C3280282, MONDO:0013655, OMIM 614254.

Submission:

Labcorp Genetics (formerly Invitae), Labcorp
Classification: Uncertain significance for Neurodevelopmental disorder with or without hyperkinetic movements and seizures, autosomal dominant. Last evaluated: 2024-09-09. Review status: criteria provided, single submitter. Criteria: Invitae Variant Classification Sherloc (09022015). Collection method: clinical testing. Allele origin: germline.
Comment: This sequence change replaces histidine, which is basic and polar, with glutamine, which is neutral and polar, at codon 477 of the GRIN1 protein (p.His477Gln). This variant is not present in population databases (gnomAD no frequency). This variant has not been reported in the literature in individuals affected with GRIN1-related conditions. Invitae Evidence Modeling of protein sequence and biophysical properties (such as structural, functional, and spatial information, amino acid conservation, physicochemical variation, residue mobility, and thermodynamic stability) has been performed for this missense variant. However, the output from this modeling did not meet the statistical confidence thresholds required to predict the impact of this variant on GRIN1 protein function. In summary, the available evidence is currently insufficient to determine the role of this variant in disease. Therefore, it has been classified as a Variant of Uncertain Significance.